The following is an entry in ClinVar:

NM_001378457.1(DMXL2):c.3104C>G (p.Pro1035Arg)

Gene: DMXL2 (Dmx like 2; minus strand). Cytogenetic location: 15q21.2.
Variant type: single nucleotide variant.
Coding change: c.3104C>G on transcript NM_001378457.1 (MANE Select); coding-DNA position 3104, C replaced by G.
Protein change: p.Pro1035Arg; replaces proline 1035 with arginine.
Molecular consequence: missense variant. On other transcripts: non-coding transcript variant (2), intron variant (2).
Genome position (GRCh38, 1-based): chr15:51,500,120, G>C on the plus strand (C>G on the coding strand, the complement: DMXL2 is on the minus strand). VCF-style: chr15-51500120-G-C. GRCh37 (hg19) VCF-style: chr15-51792317-G-C.
Other names: c.3104C>G, p.Pro1035Arg (NM_001174116.3, NM_001378458.1, NM_001378459.1 and 4 more transcripts); c.2864C>G, p.Pro955Arg (NM_001378464.1); c.2764+7014C>G (NM_001378460.1); c.2765-4986C>G (NM_001174117.3); short protein forms P1035R, P955R.
Identifiers: ClinVar variation 1464247 (VCV001464247.21), dbSNP rs372199887, ClinGen allele CA7562209.

ClinVar aggregate classification (germline): Conflicting classifications of pathogenicity. Review status: criteria provided, conflicting classifications (1 of 4 stars). 2 submissions from 2 submitters: Uncertain significance (1); Likely benign (1). Last evaluated 2024-07-01.

Allele frequency attached by ClinVar (database versions not stated): gnomAD 0.00004; TOPMed 0.00004; ExAC 0.00005; gnomAD exomes 0.00005 and 0.00007; ESP Exome Variant Server 0.00008.
gnomAD v4.1: 90 of 1,613,916 alleles (0.0056%); highest among the groups gnomAD compares: Middle Eastern, 0.082%; no homozygotes.

Submissions (2):

CeGaT Center for Human Genetics Tuebingen
Classification: Likely benign. Last evaluated: 2024-07-01. Review status: criteria provided, single submitter. Criteria: CeGaT Center For Human Genetics Tuebingen Variant Classification Criteria Version 2. Collection method: clinical testing. Allele origin: germline. Affected: yes. Observed: 1 variant allele.
Comment: DMXL2: BP4

Labcorp Genetics (formerly Invitae), Labcorp
Classification: Uncertain significance. Last evaluated: 2023-11-27. Review status: criteria provided, single submitter. Criteria: Invitae Variant Classification Sherloc (09022015). Collection method: clinical testing. Allele origin: germline.
Comment: This sequence change replaces proline, which is neutral and non-polar, with arginine, which is basic and polar, at codon 1035 of the DMXL2 protein (p.Pro1035Arg). This variant is present in population databases (rs372199887, gnomAD 0.01%). This variant has not been reported in the literature in individuals affected with DMXL2-related conditions. ClinVar contains an entry for this variant (Variation ID: 1464247). An algorithm developed to predict the effect of missense changes on protein structure and function (PolyPhen-2) suggests that this variant¬†is likely to be tolerated. In summary, the available evidence is currently insufficient to determine the role of this variant in disease. Therefore, it has been classified as a Variant of Uncertain Significance.